The following is an entry in ClinVar:

ClinVar aggregate classification (germline): Conflicting classifications of pathogenicity. Review status: criteria provided, conflicting classifications (1 of 4 stars). 2 submissions from 2 submitters: Uncertain significance (1); Likely benign (1). Last evaluated 2025-09-30.

Conditions:
Cardiovascular phenotype. Identifiers: MedGen CN230736.
Hypertrophic cardiomyopathy. Also called: HYPERTROPHIC MYOCARDIOPATHY. Identifiers: Orphanet 217569, MedGen C0007194, MeSH D002312, MONDO:0005045, HP:0001639.

Allele frequency attached by ClinVar (database versions not stated): gnomAD exomes below 0.00001; gnomAD 0.00003 and 0.00004; TOPMed 0.00008.
gnomAD v4.1: 7 of 1,580,362 alleles (0.00044%); highest among the groups gnomAD compares: Admixed American, 0.0087%; no homozygotes.

Submissions (2):

Ambry Genetics
Classification: Likely benign for Cardiovascular phenotype. Last evaluated: 2025-09-30. Review status: criteria provided, single submitter. Criteria: Ambry Variant Classification Scheme 2023. Collection method: clinical testing. Allele origin: germline.

Labcorp Genetics (formerly Invitae), Labcorp
Classification: Uncertain significance for Hypertrophic cardiomyopathy. Last evaluated: 2022-03-08. Review status: criteria provided, single submitter. Criteria: Invitae Variant Classification Sherloc (09022015). Collection method: clinical testing. Allele origin: germline.
Comment: ClinVar contains an entry for this variant (Variation ID: 958239). Algorithms developed to predict the effect of missense changes on protein structure and function (SIFT, PolyPhen-2, Align-GVGD) all suggest that this variant is likely to be tolerated. In summary, the available evidence is currently insufficient to determine the role of this variant in disease. Therefore, it has been classified as a Variant of Uncertain Significance. This sequence change replaces proline, which is neutral and non-polar, with leucine, which is neutral and non-polar, at codon 596 of the JPH2 protein (p.Pro596Leu). This variant is not present in population databases (gnomAD no frequency). This variant has not been reported in the literature in individuals affected with JPH2-related conditions.

NM_020433.5(JPH2):c.1787C>T (p.Pro596Leu)

Gene: JPH2 (junctophilin 2; minus strand). Cytogenetic location: 20q13.12.
Variant type: single nucleotide variant.
Coding change: c.1787C>T on transcript NM_020433.5 (MANE Select); coding-DNA position 1787, C replaced by T.
Protein change: p.Pro596Leu; replaces proline 596 with leucine.
Molecular consequence: missense variant.
Genome position (GRCh38, 1-based): chr20:44,115,888, G>A on the plus strand (C>T on the coding strand, the complement: JPH2 is on the minus strand). VCF-style: chr20-44115888-G-A. GRCh37 (hg19) VCF-style: chr20-42744528-G-A.
Other names: short protein forms P596L.
Identifiers: ClinVar variation 958239 (VCV000958239.10), dbSNP rs1376826403, ClinGen allele CA409099924.